The following is an entry in ClinVar:

NM_006828.4(ASCC3):c.1577T>C (p.Ile526Thr)

Gene: ASCC3 (activating signal cointegrator 1 complex subunit 3; minus strand). Cytogenetic location: 6q16.3.
Variant type: single nucleotide variant.
Coding change: c.1577T>C on transcript NM_006828.4 (MANE Select); coding-DNA position 1577, T replaced by C.
Protein change: p.Ile526Thr; replaces isoleucine 526 with threonine.
Molecular consequence: missense variant.
Genome position (GRCh38, 1-based): chr6:100,767,164, A>G on the plus strand (T>C on the coding strand, the complement: ASCC3 is on the minus strand). VCF-style: chr6-100767164-A-G. GRCh37 (hg19) VCF-style: chr6-101215040-A-G.
Other names: c.1577T>C, p.Ile526Thr (NM_001284271.2); short protein forms I526T.
Identifiers: ClinVar variation 3770026 (VCV003770026.2).

ClinVar aggregate classification (germline): Uncertain significance. Review status: criteria provided, multiple submitters, no conflicts (2 of 4 stars). 2 submissions from 2 submitters: Uncertain significance (2). Last evaluated 2025-08-14.

Conditions:
Inborn genetic diseases. Identifiers: MedGen C0950123, MeSH D030342.

gnomAD v4.1: 4 of 1,613,946 alleles (0.00025%); highest among the groups gnomAD compares: South Asian, 0.0022%; no homozygotes.

Submissions (2):

Ambry Genetics
Classification: Uncertain significance for Inborn genetic diseases. Last evaluated: 2025-08-14. Review status: criteria provided, single submitter. Criteria: Ambry Variant Classification Scheme 2023. Collection method: clinical testing. Allele origin: germline.

GeneDx
Classification: Uncertain significance. Last evaluated: 2024-09-13. Review status: criteria provided, single submitter. Criteria: GeneDx Variant Classification Process June 2021. Collection method: clinical testing. Allele origin: germline. Affected: yes.
Comment: In silico analysis supports that this missense variant has a deleterious effect on protein structure/function; Has not been previously published as pathogenic or benign to our knowledge